The following is an entry in ClinVar:

ClinVar aggregate classification (germline): Uncertain significance (1 of 4 stars; one submission).

Conditions:
Neurodevelopmental disorder with absent speech and movement and behavioral abnormalities (NEDSMB). Identifiers: MedGen C5830319, MONDO:0859519, OMIM 620270.

Submission:

3billion
Classification: Uncertain significance for Neurodevelopmental disorder with absent speech and movement and behavioral abnormalities. Last evaluated: 2025-02-11. Review status: criteria provided, single submitter. Criteria: ACMG Guidelines, 2015. Collection method: clinical testing. Allele origin: germline. Affected: yes.
Comment: The variant is not observed in the gnomAD v4.1.0 dataset. Predicted Consequence/Location: Intron variant In silico tools predict the variant to alter splicing and produce an abnormal transcript [SpliceAI: 0.49 (>=0.2, moderate evidence for spliceogenicity)]. Therefore, this variant is classified as VUS according to the recommendation of ACMG/AMP guideline.

NM_014671.3(UBE3C):c.2694+5G>C

Gene: UBE3C (ubiquitin protein ligase E3C; plus strand). Cytogenetic location: 7q36.3.
Variant type: single nucleotide variant.
Coding change: c.2694+5G>C on transcript NM_014671.3 (MANE Select); 5 bases into the intron after coding-DNA position 2694, G replaced by C.
Molecular consequence: intron variant.
Genome position (GRCh38, 1-based): chr7:157,248,585, G>C. VCF-style: chr7-157248585-G-C. GRCh37 (hg19) VCF-style: chr7-157041279-G-C.
Identifiers: ClinVar variation 4291939 (VCV004291939.1).